The following is an entry in ClinVar:

ClinVar aggregate classification (germline): Uncertain significance (1 of 4 stars; one submission).

gnomAD v4.1: 38 of 1,607,244 alleles (0.0024%); highest among the groups gnomAD compares: Middle Eastern, 0.033%; no homozygotes.

Submission:

Ambry Genetics
Classification: Uncertain significance. Last evaluated: 2024-11-22. Review status: criteria provided, single submitter. Criteria: Ambry Variant Classification Scheme 2023. Collection method: clinical testing. Allele origin: germline.
Comment: The p.P1055L variant (also known as c.3164C>T), located in coding exon 12 of the WNK2 gene, results from a C to T substitution at nucleotide position 3164. The proline at codon 1055 is replaced by leucine, an amino acid with similar properties. This amino acid position is conserved. In addition, this alteration is predicted to be tolerated by in silico analysis. Based on the available evidence, the clinical significance of this variant remains unclear.

NM_006648.4(WNK2):c.3164C>T (p.Pro1055Leu)

Gene: WNK2 (WNK lysine deficient protein kinase 2; plus strand). Cytogenetic location: 9q22.31.
Variant type: single nucleotide variant.
Coding change: c.3164C>T on transcript NM_006648.4 (MANE Select); coding-DNA position 3164, C replaced by T.
Protein change: p.Pro1055Leu; replaces proline 1055 with leucine.
Molecular consequence: missense variant.
Genome position (GRCh38, 1-based): chr9:93,261,911, C>T. VCF-style: chr9-93261911-C-T. GRCh37 (hg19) VCF-style: chr9-96024193-C-T.
Other names: c.3164C>T, p.Pro1055Leu (NM_001282394.3); short protein forms P1055L.
Identifiers: ClinVar variation 3470284 (VCV003470284.1).